The following is an entry in ClinVar:

ClinVar aggregate classification (germline): Likely pathogenic (1 of 4 stars; one submission).

Conditions:
GNE myopathy (NM). Also called: INCLUSION BODY MYOPATHY, HEREDITARY, AUTOSOMAL RECESSIVE; INCLUSION BODY MYOPATHY 2, AUTOSOMAL RECESSIVE; MYOPATHY, DISTAL, WITH OR WITHOUT RIMMED VACUOLES; IBM 2; Inclusion body myopathy autosomal recessive; Inclusion body myopathy quadriceps sparing. Identifiers: Orphanet 602, MedGen C1853926, MONDO:0011603, OMIM 605820.

Submission:

Women's Health and Genetics/Laboratory Corporation of America, LabCorp
Classification: Likely pathogenic for GNE myopathy. Last evaluated: 2022-07-26. Review status: criteria provided, single submitter. Criteria: LabCorp Variant Classification Summary - May 2015. Collection method: clinical testing. Allele origin: germline.
Comment: Variant summary: The variant identified by MLPA or other technology involves the deletion of exon 2 in the GNE gene. A presumed nomenclature of c.(51+1_52-1)_(257+1_258-1)del has been designated for the purposes of this classification. Although exact breakpoints of this deletion are not known, it is expected to result in a large in-frame deletion change in the GNE gene, a known mechanism of disease. The variant was absent in 20834 control chromosomes. c.(51+1_52-1)_(257+1_258-1)del has been reported in the literature in individuals affected with GNE myopathy. To our knowledge, no experimental evidence demonstrating an impact on protein function has been reported. No clinical diagnostic laboratories have submitted clinical-significance assessments for this variant to ClinVar after 2014. Based on the evidence outlined above, the variant was classified as likely pathogenic.

Literature cited by the submitters: PubMed 27829678.

NC_000009.11:g.(36246480_36249188)_(36249395_36276890)del

Gene: GNE (glucosamine (UDP-N-acetyl)-2-epimerase/N-acetylmannosamine kinase; minus strand). Cytogenetic location: 9p13.3.
Variant type: Deletion.
Identifiers: ClinVar variation 1704511 (VCV001704511.1).